The following is an entry in ClinVar:

NM_015338.6(ASXL1):c.3843C>A (p.Ser1281=)

Gene: ASXL1 (ASXL transcriptional regulator 1; plus strand). Cytogenetic location: 20q11.21.
Variant type: single nucleotide variant.
Coding change: c.3843C>A on transcript NM_015338.6 (MANE Select); coding-DNA position 3843, C replaced by A.
Protein change: p.Ser1281=; no amino-acid change (serine 1281 retained).
Molecular consequence: synonymous variant.
Genome position (GRCh38, 1-based): chr20:32,436,555, C>A. VCF-style: chr20-32436555-C-A. GRCh37 (hg19) VCF-style: chr20-31024358-C-A.
Other names: c.3660C>A, p.Ser1220= (NM_001363734.1).
Identifiers: ClinVar variation 1723758 (VCV001723758.3), dbSNP rs2145388338, ClinGen allele CA510467438.
Genomic context (GRCh38, chr20:32,436,555, plus strand): 5'-GAGCCCAGGAGATCTTACTACCTCGAGAACACCTCGTTTCTCATCTCCAAATGTGATCTC[C>A]TTTGGTCCAGAGCAGACAGGTCGGGCCCTGGGTGATCAGAGCAATGTTACAGGCCAAGGG-3'
Protein context (NP_056153.2, residues 1271-1291): TPRFSSPNVI[Ser1281=]FGPEQTGRAL

ClinVar aggregate classification (germline): Likely benign. Review status: criteria provided, multiple submitters, no conflicts (2 of 4 stars). 2 submissions from 2 submitters: Likely benign (2). Last evaluated 2025-08-20.

Conditions:
Inborn genetic diseases. Identifiers: MedGen C0950123, MeSH D030342.

gnomAD v4.1: 1 of 1,614,240 alleles (0.000062%); no homozygotes.

Submissions (2):

Ambry Genetics
Classification: Likely benign for Inborn genetic diseases. Last evaluated: 2025-08-20. Review status: criteria provided, single submitter. Criteria: Ambry Variant Classification Scheme 2023. Collection method: clinical testing. Allele origin: germline.

GeneDx
Classification: Likely benign. Last evaluated: 2023-01-13. Review status: criteria provided, single submitter. Criteria: GeneDx Variant Classification Process June 2021. Collection method: clinical testing. Allele origin: germline. Affected: yes.
Comment: See Variant Classification Assertion Criteria.